The following is an entry in ClinVar:

ClinVar aggregate classification (germline): Uncertain significance (1 of 4 stars; one submission).

Submission:

CeGaT Center for Human Genetics Tuebingen
Classification: Uncertain significance. Last evaluated: 2026-09-01. Review status: criteria provided, single submitter. Criteria: CeGaT Center For Human Genetics Tuebingen Variant Classification Criteria Version 2. Collection method: clinical testing. Allele origin: germline. Affected: yes. Observed: 1 variant allele.
Comment: NRXN3: PM2

NM_001330195.2(NRXN3):c.2490C>A (p.Ser830Arg)

Gene: NRXN3 (neurexin 3; plus strand). Cytogenetic location: 14q31.1.
Variant type: single nucleotide variant.
Coding change: c.2490C>A on transcript NM_001330195.2 (MANE Select); coding-DNA position 2490, C replaced by A.
Protein change: p.Ser830Arg; replaces serine 830 with arginine.
Molecular consequence: missense variant. On other transcripts: non-coding transcript variant (4).
Genome position (GRCh38, 1-based): chr14:78,966,119, C>A. VCF-style: chr14-78966119-C-A. GRCh37 (hg19) VCF-style: chr14-79432462-C-A.
Other names: c.2490C>A, p.Ser830Arg (NM_001366425.1); c.2502C>A, p.Ser834Arg (NM_001366426.1); c.1371C>A, p.Ser457Arg (NM_004796.6); short protein forms S457R, S830R, S834R.
Identifiers: ClinVar variation 5041472 (VCV005041472.1).
Genomic context (GRCh38, chr14:78,966,119, plus strand): 5'-CCACAACATTGAAACGGGAATCATGACTGAGAAACGCTACATCTCCGTTGTCCCCTCCAG[C>A]TTTATTGGCCATCTGCAGAGCCTCATGTTTAATGGCCTTCTCTACATTGACTTGTGCAAA-3'
Protein context (NP_001317124.1, residues 820-840): EKRYISVVPS[Ser830Arg]FIGHLQSLMF